The following is an entry in ClinVar:

NM_001365902.3(NFIX):c.401T>C (p.Val134Ala)

Gene: NFIX (nuclear factor I X; plus strand). Cytogenetic location: 19p13.13.
Variant type: single nucleotide variant.
Coding change: c.401T>C on transcript NM_001365902.3 (MANE Select); coding-DNA position 401, T replaced by C.
Protein change: p.Val134Ala; replaces valine 134 with alanine.
Molecular consequence: missense variant.
Genome position (GRCh38, 1-based): chr19:13,025,394, T>C. VCF-style: chr19-13025394-T-C. GRCh37 (hg19) VCF-style: chr19-13136208-T-C.
Other names: c.425T>C, p.Val142Ala (NM_001271043.2); c.377T>C, p.Val126Ala (NM_001271044.3, NM_001378404.1); c.401T>C, p.Val134Ala (NM_001365982.2, NM_002501.4); c.260T>C, p.Val87Ala (NM_001365983.2); c.398T>C, p.Val133Ala (NM_001365984.2, NM_001365985.2); c.449T>C, p.Val150Ala (NM_001378405.1); short protein forms V134A, V87A, V142A, V126A, V133A, V150A.
Identifiers: ClinVar variation 1933987 (VCV001933987.5), dbSNP rs976653460, ClinGen allele CA404314902.

ClinVar aggregate classification (germline): Uncertain significance (1 of 4 stars; one submission).

Conditions:
Malan overgrowth syndrome (MALNS). Also called: NFIX-Related Malan Syndrome; Sotos syndrome 2; MALAN SYNDROME. Identifiers: Orphanet 420179, MedGen C3553660, MONDO:0013885, OMIM 614753.
Marshall-Smith syndrome (MRSHSS). Identifiers: Orphanet 561, MedGen C0265211, MONDO:0011244, OMIM 602535.

Submission:

Labcorp Genetics (formerly Invitae), Labcorp
Classification: Uncertain significance for Malan overgrowth syndrome; Marshall-Smith syndrome. Last evaluated: 2026-01-05. Review status: criteria provided, single submitter. Criteria: Invitae Variant Classification Sherloc (09022015). Collection method: clinical testing. Allele origin: germline.
Comment: This sequence change replaces valine, which is neutral and non-polar, with alanine, which is neutral and non-polar, at codon 142 of the NFIX protein (p.Val142Ala). This variant is not present in population databases (gnomAD no frequency). This variant has not been reported in the literature in individuals affected with NFIX-related conditions. ClinVar contains an entry for this variant (Variation ID: 1933987). Experimental studies and prediction algorithms are not available or were not evaluated, and the functional significance of this variant is currently unknown. In summary, the available evidence is currently insufficient to determine the role of this variant in disease. Therefore, it has been classified as a Variant of Uncertain Significance.